The following is an entry in ClinVar:

ClinVar aggregate classification (germline): Uncertain significance (1 of 4 stars; one submission).

Conditions:
Mitochondrial trifunctional protein deficiency. Identifiers: Orphanet 746, MedGen C1969443, MONDO:0012172.
Long chain 3-hydroxyacyl-CoA dehydrogenase deficiency. Also called: Deficiency of long-chain 3-hydroxyacyl-coenzyme A dehydrogenase; LCHAD Deficiency. Identifiers: Orphanet 5, MedGen C3711645, MONDO:0012173, OMIM 609016.

Allele frequency attached by ClinVar (database versions not stated): gnomAD exomes below 0.00001; TOPMed below 0.00001.
gnomAD v4.1: 1 of 1,614,144 alleles (0.000062%); highest among the groups gnomAD compares: South Asian, 0.0011%; no homozygotes.

Submission:

Labcorp Genetics (formerly Invitae), Labcorp
Classification: Uncertain significance for Mitochondrial trifunctional protein deficiency; Long chain 3-hydroxyacyl-CoA dehydrogenase deficiency. Last evaluated: 2022-08-06. Review status: criteria provided, single submitter. Criteria: Invitae Variant Classification Sherloc (09022015). Collection method: clinical testing. Allele origin: germline.
Comment: This sequence change replaces leucine, which is neutral and non-polar, with proline, which is neutral and non-polar, at codon 603 of the HADHA protein (p.Leu603Pro). This variant is not present in population databases (gnomAD no frequency). This variant has not been reported in the literature in individuals affected with HADHA-related conditions. Algorithms developed to predict the effect of missense changes on protein structure and function are either unavailable or do not agree on the potential impact of this missense change (SIFT: "Deleterious"; PolyPhen-2: "Probably Damaging"; Align-GVGD: "Class C0"). In summary, the available evidence is currently insufficient to determine the role of this variant in disease. Therefore, it has been classified as a Variant of Uncertain Significance.

NM_000182.5(HADHA):c.1808T>C (p.Leu603Pro)

Genes: HADHA (hydroxyacyl-CoA dehydrogenase trifunctional multienzyme complex subunit alpha; minus strand), GAREM2 (GRB2 associated regulator of MAPK1 subtype 2; plus strand). Cytogenetic location: 2p23.3.
Variant type: single nucleotide variant.
Coding change: c.1808T>C on transcript NM_000182.5 (MANE Select); coding-DNA position 1808, T replaced by C.
Protein change: p.Leu603Pro; replaces leucine 603 with proline.
Molecular consequence: missense variant.
Genome position (GRCh38, 1-based): chr2:26,193,654, A>G on the plus strand (T>C on the coding strand, the complement: HADHA is on the minus strand). VCF-style: chr2-26193654-A-G. GRCh37 (hg19) VCF-style: chr2-26416523-A-G.
Other names: short protein forms L603P.
Identifiers: ClinVar variation 2170391 (VCV002170391.1), dbSNP rs1669576803, ClinGen allele CA346117826.